The following is an entry in ClinVar:

ClinVar aggregate classification (germline): Uncertain significance. Review status: criteria provided, multiple submitters, no conflicts (2 of 4 stars). 2 submissions from 2 submitters: Uncertain significance (2). Last evaluated 2025-03-18.

Allele frequency attached by ClinVar (database versions not stated): TOPMed 0.00001.
gnomAD v4.1: 1 of 1,560,168 alleles (0.000064%); highest among the groups gnomAD compares: Admixed American, 0.0021%; no homozygotes.

Submissions (2):

Ambry Genetics
Classification: Uncertain significance. Last evaluated: 2025-03-18. Review status: criteria provided, single submitter. Criteria: Ambry Variant Classification Scheme 2023. Collection method: clinical testing. Allele origin: germline.

Labcorp Genetics (formerly Invitae), Labcorp
Classification: Uncertain significance. Last evaluated: 2023-12-14. Review status: criteria provided, single submitter. Criteria: Invitae Variant Classification Sherloc (09022015). Collection method: clinical testing. Allele origin: germline.
Comment: This sequence change replaces glutamine, which is neutral and polar, with proline, which is neutral and non-polar, at codon 165 of the ELP4 protein (p.Gln165Pro). This variant is not present in population databases (gnomAD no frequency). This variant has not been reported in the literature in individuals affected with ELP4-related conditions. An algorithm developed to predict the effect of missense changes on protein structure and function (PolyPhen-2) suggests that this variant is likely to be disruptive. In summary, the available evidence is currently insufficient to determine the role of this variant in disease. Therefore, it has been classified as a Variant of Uncertain Significance.

NM_019040.5(ELP4):c.494A>C (p.Gln165Pro)

Gene: ELP4 (elongator acetyltransferase complex subunit 4; plus strand). Cytogenetic location: 11p13.
Variant type: single nucleotide variant.
Coding change: c.494A>C on transcript NM_019040.5 (MANE Select); coding-DNA position 494, A replaced by C.
Protein change: p.Gln165Pro; replaces glutamine 165 with proline.
Molecular consequence: missense variant.
Genome position (GRCh38, 1-based): chr11:31,594,882, A>C. VCF-style: chr11-31594882-A-C. GRCh37 (hg19) VCF-style: chr11-31616429-A-C.
Other names: c.494A>C (NM_019040.3); c.494A>C, p.Gln165Pro (NM_001288725.2, NM_001288726.2); short protein forms Q165P.
Identifiers: ClinVar variation 2712116 (VCV002712116.4), dbSNP rs1957646200, ClinGen allele CA380100088.